The following is an entry in ClinVar:

NM_020207.7(ERCC6L2):c.305C>T (p.Ser102Phe)

Gene: ERCC6L2 (ERCC excision repair 6 like 2; plus strand). Cytogenetic location: 9q22.32.
Variant type: single nucleotide variant.
Coding change: c.305C>T on transcript NM_020207.7 (MANE Select); coding-DNA position 305, C replaced by T.
Protein change: p.Ser102Phe; replaces serine 102 with phenylalanine.
Molecular consequence: missense variant. On other transcripts: non-coding transcript variant (1).
Genome position (GRCh38, 1-based): chr9:95,881,127, C>T. VCF-style: chr9-95881127-C-T. GRCh37 (hg19) VCF-style: chr9-98643409-C-T.
Other names: c.305C>T, p.Ser102Phe (NM_001010895.4, NM_001375291.1, NM_001375292.1 and 2 more transcripts); short protein forms S102F.
Identifiers: ClinVar variation 1354261 (VCV001354261.7), dbSNP rs573947709, ClinGen allele CA5139269.
Genomic context (GRCh38, chr9:95,881,127, plus strand): 5'-TTATATTTGATGATGAAGATTTAGAAAAACCTTATTTCCCAAACCGAAAATTTCCATCAT[C>T]TTCTGTTGCTTTTAAATTATCTGACAATGGAGACTCTATTCCTTATACCATCAATAGGTA-3'
Protein context (NP_064592.3, residues 92-112): PYFPNRKFPS[Ser102Phe]SVAFKLSDNG

ClinVar aggregate classification (germline): Uncertain significance. Review status: criteria provided, multiple submitters, no conflicts (2 of 4 stars). 3 submissions from 3 submitters: Uncertain significance (3). Last evaluated 2026-01-26.

Conditions:
Inborn genetic diseases. Identifiers: MedGen C0950123, MeSH D030342.

Allele frequency attached by ClinVar (database versions not stated): gnomAD exomes 0.00001 and 0.00002; TOPMed 0.00001; gnomAD 0.00002 and 0.00004; ExAC 0.00003; 1000 Genomes Project 30x 0.00031; 1000 Genomes Project 0.00040.
gnomAD v4.1: 21 of 1,613,670 alleles (0.0013%); highest among the groups gnomAD compares: East Asian, 0.022%; no homozygotes.

Submissions (3):

Labcorp Genetics (formerly Invitae), Labcorp
Classification: Uncertain significance. Last evaluated: 2026-01-26. Review status: criteria provided, single submitter. Criteria: Invitae Variant Classification Sherloc (09022015). Collection method: clinical testing. Allele origin: germline.
Comment: This sequence change replaces serine, which is neutral and polar, with phenylalanine, which is neutral and non-polar, at codon 113 of the ERCC6L2 protein (p.Ser113Phe). This variant is present in population databases (rs573947709, gnomAD 0.02%). This variant has not been reported in the literature in individuals affected with ERCC6L2-related conditions. ClinVar contains an entry for this variant (Variation ID: 1354261). Experimental studies and prediction algorithms are not available or were not evaluated, and the functional significance of this variant is currently unknown. In summary, the available evidence is currently insufficient to determine the role of this variant in disease. Therefore, it has been classified as a Variant of Uncertain Significance.

Blueprint Genetics
Classification: Uncertain significance. Last evaluated: 2024-10-04. Review status: criteria provided, single submitter. Criteria: ACMG Guidelines, 2015. Collection method: clinical testing. Allele origin: germline.

Ambry Genetics
Classification: Uncertain significance for Inborn genetic diseases. Last evaluated: 2024-10-02. Review status: criteria provided, single submitter. Criteria: Ambry Variant Classification Scheme 2023. Collection method: clinical testing. Allele origin: germline.
Comment: The p.S102F variant (also known as c.305C>T), located in coding exon 2 of the ERCC6L2 gene, results from a C to T substitution at nucleotide position 305. The serine at codon 102 is replaced by phenylalanine, an amino acid with highly dissimilar properties. This amino acid position is conserved. In addition, this alteration is predicted to be tolerated by in silico analysis. Based on the available evidence, the clinical significance of this variant remains unclear.